The following is an entry in ClinVar:

ClinVar aggregate classification (germline): Benign/Likely benign. Review status: criteria provided, multiple submitters, no conflicts (2 of 4 stars). 3 submissions from 3 submitters: Benign (1); Likely benign (2). Last evaluated 2026-07-01.

Conditions:
Inborn genetic diseases. Identifiers: MedGen C0950123, MeSH D030342.

Allele frequency attached by ClinVar (database versions not stated): 1000 Genomes Project 30x 0.00047; 1000 Genomes Project 0.00060; ESP Exome Variant Server 0.00159; TOPMed 0.00161; gnomAD exomes 0.00235 and 0.00283; gnomAD 0.00260 and 0.00277; ExAC 0.00277.
gnomAD v4.1: 3,817 of 1,610,332 alleles (0.24%); highest among the groups gnomAD compares: Non-Finnish European, 0.26%; 20 homozygotes.

Submissions (3):

CeGaT Center for Human Genetics Tuebingen
Classification: Likely benign. Last evaluated: 2026-07-01. Review status: criteria provided, single submitter. Criteria: CeGaT Center For Human Genetics Tuebingen Variant Classification Criteria Version 2. Collection method: clinical testing. Allele origin: germline. Affected: yes. Observed: 5 variant alleles.
Comment: TBC1D32: BP4, BS2

Labcorp Genetics (formerly Invitae), Labcorp
Classification: Benign. Last evaluated: 2026-01-17. Review status: criteria provided, single submitter. Criteria: Invitae Variant Classification Sherloc (09022015). Collection method: clinical testing. Allele origin: germline.

Ambry Genetics
Classification: Likely benign for Inborn genetic diseases. Last evaluated: 2025-08-23. Review status: criteria provided, single submitter. Criteria: Ambry Variant Classification Scheme 2023. Collection method: clinical testing. Allele origin: germline.

NM_152730.6(TBC1D32):c.3667C>T (p.His1223Tyr)

Gene: TBC1D32 (TBC1 domain family member 32; minus strand). Cytogenetic location: 6q22.31.
Variant type: single nucleotide variant.
Coding change: c.3667C>T on transcript NM_152730.6 (MANE Select); coding-DNA position 3667, C replaced by T.
Protein change: p.His1223Tyr; replaces histidine 1223 with tyrosine.
Molecular consequence: missense variant. On other transcripts: non-coding transcript variant (1).
Genome position (GRCh38, 1-based): chr6:121,080,878, G>A on the plus strand (C>T on the coding strand, the complement: TBC1D32 is on the minus strand). VCF-style: chr6-121080878-G-A. GRCh37 (hg19) VCF-style: chr6-121402024-G-A.
Other names: c.3790C>T, p.His1264Tyr (NM_001367759.1, NM_001367760.1); c.3667C>T (NM_152730.4); short protein forms H1223Y, H1264Y.
Identifiers: ClinVar variation 781887 (VCV000781887.18), dbSNP rs200000443, ClinGen allele CA3980370.
Genomic context (GRCh38, chr6:121,080,878, plus strand): 5'-TTCGGTAGTTTTGTTCCAAAATTTCCATGTATTCAAAATAATCACTCACTCGAAACCCAT[G>A]CAGTGCTTCTTCCTGCCAAAAATTACAAAGGGAAAATTATTTACTTGAGTAAGACACACA-3'
Protein context (NP_689943.4, residues 1213-1233): LQVFLKEEAL[His1223Tyr]GFRVSDYFEY